The following is an entry in ClinVar:

ClinVar aggregate classification (germline): Conflicting classifications of pathogenicity. Review status: criteria provided, conflicting classifications (1 of 4 stars). 8 submissions from 8 submitters: Uncertain significance (5); Likely benign (1). 2 of the submissions do not count toward it. Last evaluated 2025-08-24.

Conditions:
Hereditary breast ovarian cancer syndrome. Also called: Hereditary breast and ovarian cancer syndrome; Hereditary breast and ovarian cancer; Hereditary breast and ovarian cancer syndrome (HBOC); Breast and ovarian cancer; Hereditary breast and/or ovarian cancer syndrome; BRCA1- and BRCA2-Associated Hereditary Breast and Ovarian Cancer. Identifiers: Orphanet 145, MedGen C0677776, MeSH D061325, MONDO:0003582. Disease mechanism: loss of function.
Familial cancer of breast. Also called: BREAST CANCER, FAMILIAL; Hereditary breast cancer; hereditary breast carcinoma. Identifiers: Orphanet 227535, MedGen C0346153, MONDO:0016419, OMIM 114480. Disease mechanism: loss of function.
Hereditary cancer-predisposing syndrome. Also called: Neoplastic Syndromes, Hereditary; Tumor predisposition; Hereditary neoplastic syndrome; Hereditary Cancer Syndrome. Identifiers: Orphanet 140162, MedGen C0027672, MeSH D009386, MONDO:0015356.
Breast-ovarian cancer, familial, susceptibility to, 2 (BROVCA2). Also called: BRCA2 Hereditary Breast and Ovarian Cancer. Identifiers: Orphanet 145, MedGen C2675520, MONDO:0012933, OMIM 612555. Disease mechanism: loss of function.

Allele frequency attached by ClinVar (database versions not stated): gnomAD exomes below 0.00001; gnomAD 0.00001; TOPMed 0.00001.
gnomAD v4.1: 3 of 1,597,040 alleles (0.00019%); highest among the groups gnomAD compares: African/African-American, 0.0013%; no homozygotes.

Submissions (8):

Labcorp Genetics (formerly Invitae), Labcorp
Classification: Uncertain significance for Hereditary breast ovarian cancer syndrome. Last evaluated: 2025-08-24. Review status: criteria provided, single submitter. Criteria: Invitae Variant Classification Sherloc (09022015). Collection method: clinical testing. Allele origin: germline.
Comment: This sequence change replaces threonine, which is neutral and polar, with alanine, which is neutral and non-polar, at codon 225 of the BRCA2 protein (p.Thr225Ala). This variant is not present in population databases (gnomAD no frequency). This missense change has been observed in individual(s) with breast, ovarian, or endometrial cancer (PMID: 15300854, 22811390, 27383479, 30415210). ClinVar contains an entry for this variant (Variation ID: 52172). Invitae Evidence Modeling of protein sequence and biophysical properties (such as structural, functional, and spatial information, amino acid conservation, physicochemical variation, residue mobility, and thermodynamic stability) indicates that this missense variant is not expected to disrupt BRCA2 protein function with a negative predictive value of 95%. In summary, the available evidence is currently insufficient to determine the role of this variant in disease. Therefore, it has been classified as a Variant of Uncertain Significance.

Ambry Genetics
Classification: Uncertain significance for Hereditary cancer-predisposing syndrome. Last evaluated: 2025-04-03. Review status: criteria provided, single submitter. Criteria: Ambry Variant Classification Scheme 2023. Collection method: clinical testing. Allele origin: germline.
Comment: The p.T225A variant (also known as c.673A>G), located in coding exon 7 of the BRCA2 gene, results from an A to G substitution at nucleotide position 673. The threonine at codon 225 is replaced by alanine, an amino acid with similar properties. This alteration has been reported in a cohort of 151 uterine serous carcinoma patients (Pennington KP et al. Cancer, 2013 Jan;119:332-8). This alteration has also been reported in 1/88 Korean HBOC patients (Shin S et al. Breast Cancer Res. Treat., 2016 08;158:433-40). This variant was classified as likely benign by a multifactorial analysis incorporating co-occurrence, personal and family history, and tumor characteristic data (Lee JS et al. J. Med. Genet., 2018 12;55:794-802). This amino acid position is not well conserved in available vertebrate species. In addition, this alteration is predicted to be tolerated by in silico analysis. Since supporting evidence is limited at this time, the clinical significance of this alteration remains unclear.

Baylor Genetics
Classification: Uncertain significance for Familial cancer of breast. Last evaluated: 2024-03-04. Review status: criteria provided, single submitter. Criteria: ACMG Guidelines, 2015. Collection method: clinical testing. Allele origin: unknown.

All of Us Research Program, National Institutes of Health
Classification: Uncertain significance for Breast-ovarian cancer, familial, susceptibility to, 2. Last evaluated: 2023-12-01. Review status: criteria provided, single submitter. Criteria: ACMG Guidelines, 2015. Collection method: clinical testing. Allele origin: germline. Inheritance: Autosomal dominant inheritance. Observed: 1 variant allele, 1 heterozygote.
Comment: This missense variant replaces threonine with alanine at codon 225 of the BRCA2 protein. Computational prediction suggests that this variant may not impact protein structure and function (internally defined REVEL score threshold <= 0.5, PMID: 27666373). To our knowledge, functional studies have not been reported for this variant. This variant has been reported in individuals with a personal or family history of breast and/or ovarian, or endometrial cancer (PMID: 33078592, 27383479, 22811390). In a large breast cancer case-control study conducted by the BRIDGES consortium, this variant was reported in 2/60466 cases and 1/53461 unaffected controls, showing inconclusive association with disease (OR=1.768 (95%CI 0.16 to 19.503); p-value=1; Leiden Open Variation Database DB-ID BRCA2_007740) (PMID: 33471991). This variant has not been identified in the general population by the Genome Aggregation Database (gnomAD). The available evidence is insufficient to determine the role of this variant in disease conclusively. Therefore, this variant is classified as a Variant of Uncertain Significance.

This study involves interpretation of variants in research participants for the purpose of population health screening. Participant phenotype was not available at the time of variant classification. Additional details can be found in publication PMID: 35346344, PMCID: PMC8962531

Myriad Genetics, Inc.
Classification: Likely benign for Breast-ovarian cancer, familial, susceptibility to, 2. Last evaluated: 2023-08-18. Review status: criteria provided, single submitter. Criteria: Myriad Autosomal Dominant, Autosomal Recessive and X-Linked Classification Criteria (2023). Collection method: clinical testing. Allele origin: unknown.
Comment: This variant is considered likely benign. This variant is strongly associated with less severe personal and family histories of cancer, typical for individuals without pathogenic variants in this gene [PMID: 25085752].

Quest Diagnostics Nichols Institute San Juan Capistrano
Classification: Uncertain significance. Last evaluated: 2018-03-08. Review status: criteria provided, single submitter. Criteria: Quest Diagnostics criteria. Collection method: clinical testing. Allele origin: germline.

Counsyl
Classification: Uncertain significance for Breast-ovarian cancer, familial, susceptibility to, 2. Last evaluated: 2016-03-08. Review status: no assertion criteria provided. Collection method: clinical testing. Allele origin: unknown. Not counted in ClinVar's aggregate classification.

Breast Cancer Information Core (BIC) (BRCA2)
Classification: Uncertain significance for Breast-ovarian cancer, familial 2. Last evaluated: 2002-06-20. Review status: no assertion criteria provided. Collection method: clinical testing. Allele origin: germline. Affected: yes. Observed: 1 variant allele. Not counted in ClinVar's aggregate classification.

Literature cited by the submitters: PubMed 15300854 (cited by Labcorp Genetics (formerly Invitae), Labcorp and Counsyl); PubMed 22811390 (cited by 4 submitters); PubMed 27383479 (cited by 3 submitters); PubMed 30415210 (cited by Labcorp Genetics (formerly Invitae), Labcorp and Ambry Genetics); PubMed 33078592 (cited by All of Us Research Program, National Institutes of Health); PubMed 33471991 (cited by All of Us Research Program, National Institutes of Health); PubMed 25085752 (cited by Myriad Genetics, Inc.); PubMed 25722345 (cited by Counsyl); PubMed 26635394 (cited by Counsyl); PubMed 24817641 (cited by Counsyl).

NM_000059.4(BRCA2):c.673A>G (p.Thr225Ala)

Gene: BRCA2 (BRCA2 DNA repair associated; plus strand). Cytogenetic location: 13q13.1.
Variant type: single nucleotide variant.
Coding change: c.673A>G on transcript NM_000059.4 (MANE Select); coding-DNA position 673, A replaced by G.
Protein change: p.Thr225Ala; replaces threonine 225 with alanine.
Molecular consequence: missense variant.
Genome position (GRCh38, 1-based): chr13:32,329,484, A>G. VCF-style: chr13-32329484-A-G. GRCh37 (hg19) VCF-style: chr13-32903621-A-G.
Other names: short protein forms T225A.
Identifiers: ClinVar variation 52172 (VCV000052172.20), dbSNP rs80358897, ClinGen allele CA024361.
Genomic context (GRCh38, chr13:32,329,484, plus strand): 5'-ATAAATTTTTATCTTACAGTCAGAAATGAAGAAGCATCTGAAACTGTATTTCCTCATGAT[A>G]CTACTGCTGTAAGTAAATATGACATTGATTAGACTGTTGAAATTGCTAACAATTTTGGAA-3'
Protein context (NP_000050.3, residues 215-235): EASETVFPHD[Thr225Ala]TANVKSYFSN